The following is an entry in ClinVar:

NM_001348716.2(KDM6B):c.2865dup (p.Ala956fs)

Gene: KDM6B (lysine demethylase 6B; plus strand). Cytogenetic location: 17p13.1.
Variant type: Duplication.
Coding change: c.2865dup on transcript NM_001348716.2 (MANE Select); coding-DNA position 2865, one base duplicated (C; older notation c.2865dupC).
Protein change: p.Ala956fs; shifts the reading frame from alanine 956.
Molecular consequence: frameshift variant.
Genome position (GRCh38, 1-based): chr17:7,849,153, C duplicated; the last of 6 consecutive C bases (chr17:7,849,148-7,849,153); duplicating any one gives the same sequence. VCF-style (leftmost placement, unchanged base first): chr17-7849147-G-GC. GRCh37 (hg19) VCF-style: chr17-7752465-G-GC.
Other names: c.2865dup, p.Ala956fs (NM_001080424.2); short protein forms A956fs.
Identifiers: ClinVar variation 2500328 (VCV002500328.2), dbSNP rs1480163265, ClinGen allele CA624866605.

ClinVar aggregate classification (germline): Likely pathogenic. Review status: criteria provided, multiple submitters, no conflicts (2 of 4 stars). 2 submissions from 2 submitters: Likely pathogenic (2). Last evaluated 2025-04-28.

Conditions:
Neurodevelopmental disorder with coarse facies and mild distal skeletal abnormalities. Also called: STOLERMAN NEURODEVELOPMENTAL SYNDROME. Identifiers: MedGen C5193134, MONDO:0032790, OMIM 618505.

Submissions (2):

Institute of Human Genetics, Heidelberg University
Classification: Likely pathogenic for Neurodevelopmental disorder with coarse facies and mild distal skeletal abnormalities. Last evaluated: 2025-04-28. Review status: criteria provided, single submitter. Criteria: ACMG Guidelines, 2015. Collection method: clinical testing. Allele origin: maternal. Affected: yes. Observed: 2 variant alleles.
Comment: PVS1, PM2_supp

Institute of Human Genetics, University of Leipzig Medical Center
Classification: Likely pathogenic for Neurodevelopmental disorder with coarse facies and mild distal skeletal abnormalities. Last evaluated: 2023-02-20. Review status: criteria provided, single submitter. Criteria: ACMG Guidelines, 2015. Collection method: clinical testing. Allele origin: unknown. Affected: yes.
Comment: _x000D_ Criteria applied: PVS1, PM2_SUP